The following is an entry in ClinVar:

ClinVar aggregate classification (germline): Pathogenic (1 of 4 stars; one submission).

Conditions:
Hereditary cancer-predisposing syndrome. Also called: Neoplastic Syndromes, Hereditary; Tumor predisposition; Hereditary neoplastic syndrome; Hereditary Cancer Syndrome. Identifiers: Orphanet 140162, MedGen C0027672, MeSH D009386, MONDO:0015356.

Submission:

Ambry Genetics
Classification: Pathogenic for Hereditary cancer-predisposing syndrome. Last evaluated: 2022-11-08. Review status: criteria provided, single submitter. Criteria: Ambry Variant Classification Scheme 2023. Collection method: clinical testing. Allele origin: germline.
Comment: The c.5728_5729dupAA pathogenic mutation, located in coding exon 10 of the BRCA2 gene, results from a duplication of AA at nucleotide position 5728, causing a translational frameshift with a predicted alternate stop codon (p.N1910Kfs*54). This variant is considered to be rare based on population cohorts in the Genome Aggregation Database (gnomAD). This alteration is expected to result in loss of function by premature protein truncation or nonsense-mediated mRNA decay. As such, this alteration is interpreted as a disease-causing mutation.

NM_000059.4(BRCA2):c.5728_5729dup (p.Asn1910fs)

Gene: BRCA2 (BRCA2 DNA repair associated; plus strand). Cytogenetic location: 13q13.1.
Variant type: Duplication.
Coding change: c.5728_5729dup on transcript NM_000059.4 (MANE Select); coding-DNA positions 5728 to 5729, 2 bases duplicated (AA; older notation c.5728_5729dupAA).
Protein change: p.Asn1910fs; shifts the reading frame from asparagine 1910.
Molecular consequence: frameshift variant. On other transcripts: non-coding transcript variant (1), intron variant (2).
Genome position (GRCh38, 1-based): chr13:32,340,083-32,340,084, AA duplicated. VCF-style (leftmost placement, unchanged base first): chr13-32340082-T-TAA. GRCh37 (hg19) VCF-style: chr13-32914219-T-TAA.
Other names: c.5728_5729dup, p.Asn1910fs (NM_001406719.1, NM_001406720.1); c.1910-4475_1910-4474dup (NM_001406721.1); c.425-4475_425-4474dup (NM_001406722.1); c.5728_5729dupAA (NM_000059.3); short protein forms N1910fs.
Identifiers: ClinVar variation 2451473 (VCV002451473.2), dbSNP rs2548531600, ClinGen allele CA2580087755.